The following is an entry in ClinVar:

ClinVar aggregate classification (germline): Uncertain significance. Review status: criteria provided, multiple submitters, no conflicts (2 of 4 stars). 3 submissions from 3 submitters: Uncertain significance (3). Last evaluated 2025-05-12.

Allele frequency attached by ClinVar (database versions not stated): gnomAD exomes 0.00001; TOPMed below 0.00001.
gnomAD v4.1: 17 of 1,613,242 alleles (0.0011%); highest among the groups gnomAD compares: Admixed American, 0.0017%; no homozygotes.

Submissions (3):

Mayo Clinic Laboratories, Mayo Clinic
Classification: Uncertain significance. Last evaluated: 2025-05-12. Review status: criteria provided, single submitter. Criteria: ACMG Guidelines, 2015. Collection method: clinical testing. Allele origin: germline. Observed: 1 variant allele.
Comment: BS2, BS3, PP3_moderate

Labcorp Genetics (formerly Invitae), Labcorp
Classification: Uncertain significance. Last evaluated: 2023-12-11. Review status: criteria provided, single submitter. Criteria: Invitae Variant Classification Sherloc (09022015). Collection method: clinical testing. Allele origin: germline.
Comment: This sequence change replaces arginine, which is basic and polar, with glutamine, which is neutral and polar, at codon 433 of the SOX10 protein (p.Arg433Gln). This variant is present in population databases (no rsID available, gnomAD 0.007%). This missense change has been observed in individual(s) with clinical features of SOX10-related conditions (PMID: 23643381). ClinVar contains an entry for this variant (Variation ID: 1424074). Advanced modeling of protein sequence and biophysical properties (such as structural, functional, and spatial information, amino acid conservation, physicochemical variation, residue mobility, and thermodynamic stability) performed at Invitae indicates that this missense variant is not expected to disrupt SOX10 protein function with a negative predictive value of 80%. Experimental studies have shown that this missense change does not substantially affect SOX10 function (PMID: 23643381). In summary, the available evidence is currently insufficient to determine the role of this variant in disease. Therefore, it has been classified as a Variant of Uncertain Significance.

Blueprint Genetics
Classification: Uncertain significance. Last evaluated: 2020-07-20. Review status: criteria provided, single submitter. Criteria: ACMG Guidelines, 2015. Collection method: clinical testing. Allele origin: germline.

Literature cited by the submitters: PubMed 23643381 (cited by Mayo Clinic Laboratories, Mayo Clinic and Labcorp Genetics (formerly Invitae), Labcorp); PubMed 30914325 (cited by Mayo Clinic Laboratories, Mayo Clinic); PubMed 33442024 (cited by Mayo Clinic Laboratories, Mayo Clinic); PubMed 33913437 (cited by Mayo Clinic Laboratories, Mayo Clinic).

NM_006941.4(SOX10):c.1298G>A (p.Arg433Gln)

Genes: POLR2F (RNA polymerase II, I and III subunit F; plus strand), SOX10 (SRY-box transcription factor 10; minus strand). Cytogenetic location: 22q13.1.
Variant type: single nucleotide variant.
Coding change: c.1298G>A on transcript NM_006941.4 (MANE Select); coding-DNA position 1298, G replaced by A.
Protein change: p.Arg433Gln; replaces arginine 433 with glutamine.
Molecular consequence: missense variant. On other transcripts: intron variant (3).
Genome position (GRCh38, 1-based): chr22:37,973,598, C>T on the plus strand (G>A on the coding strand, the complement: SOX10 is on the minus strand). VCF-style: chr22-37973598-C-T. GRCh37 (hg19) VCF-style: chr22-38369605-C-T.
Other names: p.Arg433Gln; c.*38+1288C>T (NM_001363825.1); c.293+6428C>T (NM_001301130.2, NM_001301131.2); short protein forms R433Q.
Identifiers: ClinVar variation 1424074 (VCV001424074.7), dbSNP rs1181391352, ClinGen allele CA411488543.